The following is an entry in ClinVar:

ClinVar aggregate classification (germline): Uncertain significance (1 of 4 stars; one submission).

Allele frequency attached by ClinVar (database versions not stated): gnomAD exomes below 0.00001.
gnomAD v4.1: 1 of 1,480,402 alleles (0.000068%); highest among the groups gnomAD compares: South Asian, 0.0013%; no homozygotes.

Submission:

CeGaT Center for Human Genetics Tuebingen
Classification: Uncertain significance. Last evaluated: 2022-07-01. Review status: criteria provided, single submitter. Criteria: CeGaT Center For Human Genetics Tuebingen Variant Classification Criteria Version 2. Collection method: clinical testing. Allele origin: germline. Affected: yes. Observed: 1 variant allele.
Comment: CUX1: PM2, PP2

NM_181552.4(CUX1):c.4064C>T (p.Pro1355Leu)

Gene: CUX1 (cut like homeobox 1; plus strand). Cytogenetic location: 7q22.1.
Variant type: single nucleotide variant.
Coding change: c.4064C>T on transcript NM_181552.4 (MANE Select); coding-DNA position 4064, C replaced by T.
Protein change: p.Pro1355Leu; replaces proline 1355 with leucine.
Molecular consequence: missense variant. On other transcripts: intron variant (5).
Genome position (GRCh38, 1-based): chr7:102,248,588, C>T. VCF-style: chr7-102248588-C-T. GRCh37 (hg19) VCF-style: chr7-101891868-C-T.
Other names: c.4097C>T, p.Pro1366Leu (NM_001202543.2); c.1256-24778C>T (NM_001913.5); c.1250-24778C>T (NM_181500.4); c.1118-24778C>T (NM_001202545.3); c.1208-24778C>T (NM_001202544.3); c.1139-24778C>T (NM_001202546.3); short protein forms P1355L, P1366L.
Identifiers: ClinVar variation 1695202 (VCV001695202.31), dbSNP rs2132619218, ClinGen allele CA368668679.